The following is an entry in ClinVar:

NM_001999.4(FBN2):c.628+3A>G

Gene: FBN2 (fibrillin 2; minus strand). Cytogenetic location: 5q23.3.
Variant type: single nucleotide variant.
Coding change: c.628+3A>G on transcript NM_001999.4 (MANE Select); 3 bases into the intron after coding-DNA position 628, A replaced by G.
Molecular consequence: intron variant.
Genome position (GRCh38, 1-based): chr5:128,519,270, T>C on the plus strand (A>G on the coding strand, the complement: FBN2 is on the minus strand). VCF-style: chr5-128519270-T-C. GRCh37 (hg19) VCF-style: chr5-127854963-T-C.
Identifiers: ClinVar variation 2963087 (VCV002963087.3), dbSNP rs1417676470, ClinGen allele CA562718790.

ClinVar aggregate classification (germline): Uncertain significance (1 of 4 stars; one submission).

Conditions:
Congenital contractural arachnodactyly (CCA). Also called: BEALS SYNDROME; Arthrogryposis, distal, type 9; Beals-Hecht syndrome. Identifiers: Orphanet 115, MedGen C0220668, MONDO:0007363, OMIM 121050.

Submission:

Labcorp Genetics (formerly Invitae), Labcorp
Classification: Uncertain significance for Congenital contractural arachnodactyly. Last evaluated: 2023-10-20. Review status: criteria provided, single submitter. Criteria: Invitae Variant Classification Sherloc (09022015). Collection method: clinical testing. Allele origin: germline.
Comment: This sequence change falls in intron 5 of the FBN2 gene. It does not directly change the encoded amino acid sequence of the FBN2 protein. It affects a nucleotide within the consensus splice site. This variant is present in population databases (no rsID available, gnomAD 0.0009%). This variant has not been reported in the literature in individuals affected with FBN2-related conditions. Variants that disrupt the consensus splice site are a relatively common cause of aberrant splicing (PMID: 17576681, 9536098). Algorithms developed to predict the effect of sequence changes on RNA splicing suggest that this variant is not likely to affect RNA splicing. In summary, the available evidence is currently insufficient to determine the role of this variant in disease. Therefore, it has been classified as a Variant of Uncertain Significance.

Literature cited by the submitters: PubMed 17576681; PubMed 9536098.